The following is an entry in ClinVar:

ClinVar aggregate classification (germline): Conflicting classifications of pathogenicity. Review status: criteria provided, conflicting classifications (1 of 4 stars). 2 submissions from 2 submitters: Uncertain significance (1); Likely benign (1). Last evaluated 2023-03-23.

Conditions:
Hereditary cancer-predisposing syndrome. Also called: Hereditary Cancer Syndrome; Hereditary neoplastic syndrome; Neoplastic Syndromes, Hereditary; Tumor predisposition. Identifiers: Orphanet 140162, MedGen C0027672, MeSH D009386, MONDO:0015356.

Submissions (2):

University of Washington Department of Laboratory Medicine, University of Washington
Classification: Likely benign for Hereditary cancer-predisposing syndrome. Last evaluated: 2023-03-23. Review status: criteria provided, single submitter. Criteria: Dines et al. (Genet Med. 2020). Collection method: curation. Allele origin: germline.
Comment: Missense variant in a coldspot region where missense variants are very unlikely to be pathogenic (PMID:31911673).

BRCA2 exon 11 coldspot. Reclassification based on statistical prior probability.

Ambry Genetics
Classification: Uncertain significance for Hereditary cancer-predisposing syndrome. Last evaluated: 2021-05-14. Review status: criteria provided, single submitter. Criteria: Ambry Variant Classification Scheme 2023. Collection method: clinical testing. Allele origin: germline.
Comment: The p.N1877I variant (also known as c.5630A>T), located in coding exon 10 of the BRCA2 gene, results from an A to T substitution at nucleotide position 5630. The asparagine at codon 1877 is replaced by isoleucine, an amino acid with dissimilar properties. This amino acid position is not well conserved in available vertebrate species. In addition, the in silico prediction for this alteration is inconclusive. Since supporting evidence is limited at this time, the clinical significance of this alteration remains unclear.

NM_000059.4(BRCA2):c.5630A>T (p.Asn1877Ile)

Gene: BRCA2 (BRCA2 DNA repair associated; plus strand). Cytogenetic location: 13q13.1.
Variant type: single nucleotide variant.
Coding change: c.5630A>T on transcript NM_000059.4 (MANE Select); coding-DNA position 5630, A replaced by T.
Protein change: p.Asn1877Ile; replaces asparagine 1877 with isoleucine.
Molecular consequence: missense variant.
Genome position (GRCh38, 1-based): chr13:32,339,985, A>T. VCF-style: chr13-32339985-A-T. GRCh37 (hg19) VCF-style: chr13-32914122-A-T.
Other names: c.5630A>T, p.Asn1877Ile (NM_001406719.1, NM_001406720.1); short protein forms N1877I.
Identifiers: ClinVar variation 1748758 (VCV001748758.4), dbSNP rs2137519322, ClinGen allele CA387786125.